The following is an entry in ClinVar:

ClinVar aggregate classification (germline): Uncertain significance. Review status: criteria provided, multiple submitters, no conflicts (2 of 4 stars). 2 submissions from 2 submitters: Uncertain significance (2). Last evaluated 2023-05-15.

Conditions:
Beckwith-Wiedemann syndrome (BWS). Also called: Exomphalos macroglossia gigantism syndrome; EMG SYNDROME. Identifiers: Orphanet 116, MedGen C0004903, MONDO:0007534, OMIM 130650.

gnomAD v4.1: 33 of 1,582,642 alleles (0.0021%); highest among the groups gnomAD compares: Non-Finnish European, 0.0028%; no homozygotes.

Submissions (2):

Labcorp Genetics (formerly Invitae), Labcorp
Classification: Uncertain significance for Beckwith-Wiedemann syndrome. Last evaluated: 2023-05-15. Review status: criteria provided, single submitter. Criteria: Invitae Variant Classification Sherloc (09022015). Collection method: clinical testing. Allele origin: germline.
Comment: In summary, the available evidence is currently insufficient to determine the role of this variant in disease. Therefore, it has been classified as a Variant of Uncertain Significance. Advanced modeling of protein sequence and biophysical properties (such as structural, functional, and spatial information, amino acid conservation, physicochemical variation, residue mobility, and thermodynamic stability) performed at Invitae indicates that this missense variant is not expected to disrupt CDKN1C protein function. ClinVar contains an entry for this variant (Variation ID: 837112). This variant has not been reported in the literature in individuals affected with CDKN1C-related conditions. The frequency data for this variant in the population databases is considered unreliable, as metrics indicate poor data quality at this position in the gnomAD database. This sequence change replaces arginine, which is basic and polar, with glutamine, which is neutral and polar, at codon 72 of the CDKN1C protein (p.Arg72Gln).

Revvity Omics, Revvity
Classification: Uncertain significance. Last evaluated: 2022-06-01. Review status: criteria provided, single submitter. Criteria: ACMG Guidelines, 2015. Collection method: clinical testing. Allele origin: germline.

NM_001122630.2(CDKN1C):c.182G>A (p.Arg61Gln)

Gene: CDKN1C (cyclin dependent kinase inhibitor 1C; minus strand). Cytogenetic location: 11p15.4.
Variant type: single nucleotide variant.
Coding change: c.182G>A on transcript NM_001122630.2 (MANE Select); coding-DNA position 182, G replaced by A.
Protein change: p.Arg61Gln; replaces arginine 61 with glutamine.
Molecular consequence: missense variant.
Genome position (GRCh38, 1-based): chr11:2,885,275, C>T on the plus strand (G>A on the coding strand, the complement: CDKN1C is on the minus strand). VCF-style: chr11-2885275-C-T. GRCh37 (hg19) VCF-style: chr11-2906505-C-T.
Other names: c.215G>A, p.Arg72Gln (NM_000076.2, NM_001362474.2); c.182G>A, p.Arg61Gln (NM_001122631.2, NM_001362475.2); short protein forms R61Q, R72Q.
Identifiers: ClinVar variation 837112 (VCV000837112.12), dbSNP rs1238182415, ClinGen allele CA379147367.
Genomic context (GRCh38, chr11:2,885,275, plus strand): 5'-CGGTAGAACGCGGGCACCGAGTCGCTGTCCACTTCGGTCCACTGCAGGCGTCCAGGGCCC[C>T]GCAGCGGCATGTCCTGCTGGAAGTCGTAATCCCAGCGGTTCTGGTCCTCGGCGTTCAGCT-3'
Protein context (NP_001116102.1, residues 51-71): DYDFQQDMPL[Arg61Gln]GPGRLQWTEV